The following is an entry in ClinVar:

ClinVar aggregate classification (germline): Uncertain significance (1 of 4 stars; one submission).

Submission:

Ambry Genetics
Classification: Uncertain significance. Last evaluated: 2025-02-05. Review status: criteria provided, single submitter. Criteria: Ambry Variant Classification Scheme 2023. Collection method: clinical testing. Allele origin: germline.
Comment: The p.T1574I variant (also known as c.4721C>T), located in coding exon 19 of the WNK2 gene, results from a C to T substitution at nucleotide position 4721. The threonine at codon 1574 is replaced by isoleucine, an amino acid with similar properties. This amino acid position is conserved. In addition, this alteration is predicted to be tolerated by in silico analysis. Based on the available evidence, the clinical significance of this variant remains unclear.

NM_006648.4(WNK2):c.4721C>T (p.Thr1574Ile)

Gene: WNK2 (WNK lysine deficient protein kinase 2; plus strand). Cytogenetic location: 9q22.31.
Variant type: single nucleotide variant.
Coding change: c.4721C>T on transcript NM_006648.4 (MANE Select); coding-DNA position 4721, C replaced by T.
Protein change: p.Thr1574Ile; replaces threonine 1574 with isoleucine.
Molecular consequence: missense variant.
Genome position (GRCh38, 1-based): chr9:93,289,475, C>T. VCF-style: chr9-93289475-C-T. GRCh37 (hg19) VCF-style: chr9-96051757-C-T.
Other names: c.4832C>T, p.Thr1611Ile (NM_001282394.3); short protein forms T1611I, T1574I.
Identifiers: ClinVar variation 3817010 (VCV003817010.1).